The following is an entry in ClinVar:

ClinVar aggregate classification (germline): Uncertain significance (1 of 4 stars; one submission).

Allele frequency attached by ClinVar (database versions not stated): gnomAD exomes below 0.00001.
gnomAD v4.1: 1 of 1,614,046 alleles (0.000062%); highest among the groups gnomAD compares: Non-Finnish European, 0.000085%; no homozygotes.

Submission:

Labcorp Genetics (formerly Invitae), Labcorp
Classification: Uncertain significance. Last evaluated: 2021-07-22. Review status: criteria provided, single submitter. Criteria: Invitae Variant Classification Sherloc (09022015). Collection method: clinical testing. Allele origin: germline.
Comment: This sequence change replaces leucine with proline at codon 182 of the CLCN2 protein (p.Leu182Pro). The leucine residue is moderately conserved and there is a moderate physicochemical difference between leucine and proline. In summary, the available evidence is currently insufficient to determine the role of this variant in disease. Therefore, it has been classified as a Variant of Uncertain Significance. Algorithms developed to predict the effect of missense changes on protein structure and function are either unavailable or do not agree on the potential impact of this missense change (SIFT: "Deleterious"; PolyPhen-2: "Probably Damaging"; Align-GVGD: "Class C15"). This variant has not been reported in the literature in individuals affected with CLCN2-related conditions. This variant is not present in population databases (ExAC no frequency).

NM_004366.6(CLCN2):c.545T>C (p.Leu182Pro)

Gene: CLCN2 (chloride voltage-gated channel 2; minus strand). Cytogenetic location: 3q27.1.
Variant type: single nucleotide variant.
Coding change: c.545T>C on transcript NM_004366.6 (MANE Select); coding-DNA position 545, T replaced by C.
Protein change: p.Leu182Pro; replaces leucine 182 with proline.
Molecular consequence: missense variant.
Genome position (GRCh38, 1-based): chr3:184,358,032, A>G on the plus strand (T>C on the coding strand, the complement: CLCN2 is on the minus strand). VCF-style: chr3-184358032-A-G. GRCh37 (hg19) VCF-style: chr3-184075820-A-G.
Other names: c.545T>C, p.Leu182Pro (NM_001171087.3, NM_001171089.3); c.413T>C, p.Leu138Pro (NM_001171088.3); short protein forms L182P, L138P.
Identifiers: ClinVar variation 1400874 (VCV001400874.8), dbSNP rs2108572727, ClinGen allele CA355456864.